The following is an entry in ClinVar:

NM_024334.3(TMEM43):c.889T>A (p.Phe297Ile)

Gene: TMEM43 (transmembrane protein 43; plus strand). Cytogenetic location: 3p25.1.
Variant type: single nucleotide variant.
Coding change: c.889T>A on transcript NM_024334.3 (MANE Select); coding-DNA position 889, T replaced by A.
Protein change: p.Phe297Ile; replaces phenylalanine 297 with isoleucine.
Molecular consequence: missense variant.
Genome position (GRCh38, 1-based): chr3:14,139,186, T>A. VCF-style: chr3-14139186-T-A. GRCh37 (hg19) VCF-style: chr3-14180686-T-A.
Other names: short protein forms F297I.
Identifiers: ClinVar variation 1395869 (VCV001395869.11), dbSNP rs990243563, ClinGen allele CA69733909.

ClinVar aggregate classification (germline): Uncertain significance. Review status: criteria provided, multiple submitters, no conflicts (2 of 4 stars). 5 submissions from 5 submitters: Uncertain significance (5). Last evaluated 2026-05-15.

Conditions:
Arrhythmogenic right ventricular dysplasia 5. Also called: Arrhythmogenic Right Ventricular Dysplasia/Cardiomyopathy 5; ARRHYTHMOGENIC RIGHT VENTRICULAR DYSPLASIA, FAMILIAL, 5. Identifiers: MedGen C1858379, MONDO:0011459, OMIM 604400.
Auditory neuropathy, autosomal dominant 3 (AUNA3). Identifiers: MedGen C5676964, MONDO:0859235, OMIM 619832.
Emery-Dreifuss muscular dystrophy 7, autosomal dominant (EDMD7). Also called: Emery-Dreifuss muscular dystrophy 7, AD. Identifiers: Orphanet 261, MedGen C3553060, MONDO:0013677, OMIM 614302.
Cardiovascular phenotype. Identifiers: MedGen CN230736.
Cardiomyopathy (CMYO). Also called: Cardiomyopathies. Identifiers: Orphanet 167848, MedGen C0878544, MONDO:0004994, HP:0001638. Inheritance: Various modes of inheritance.

Allele frequency attached by ClinVar (database versions not stated): TOPMed below 0.00001; gnomAD exomes below 0.00001.
gnomAD v4.1: 6 of 1,613,612 alleles (0.00037%); highest among the groups gnomAD compares: Non-Finnish European, 0.00051%; no homozygotes.

Submissions (5):

Women's Health and Genetics/Laboratory Corporation of America, LabCorp
Classification: Uncertain significance. Last evaluated: 2026-05-15. Review status: criteria provided, single submitter. Criteria: LabCorp Variant Classification Summary - May 2015. Collection method: clinical testing. Allele origin: germline.

Ambry Genetics
Classification: Uncertain significance for Cardiovascular phenotype. Last evaluated: 2025-12-15. Review status: criteria provided, single submitter. Criteria: Ambry Variant Classification Scheme 2023. Collection method: clinical testing. Allele origin: germline.

Color Diagnostics, LLC DBA Color Health
Classification: Uncertain significance for Cardiomyopathy. Last evaluated: 2024-04-03. Review status: criteria provided, single submitter. Criteria: ACMG Guidelines, 2015. Collection method: clinical testing. Allele origin: germline.
Comment: This missense variant replaces phenylalanine with isoleucine at codon 297 of the TMEM43 protein. Computational prediction is inconclusive regarding the impact of this variant on protein structure and function (internally defined REVEL score threshold 0.5 < inconclusive < 0.7, PMID: 27666373). To our knowledge, functional studies have not been reported for this variant. This variant has not been reported in individuals affected with TMEM43-related disorders in the literature. This variant has been identified in 1/251426 chromosomes in the general population by the Genome Aggregation Database (gnomAD). The available evidence is insufficient to determine the role of this variant in disease conclusively. Therefore, this variant is classified as a Variant of Uncertain Significance.

Labcorp Genetics (formerly Invitae), Labcorp
Classification: Uncertain significance for Arrhythmogenic right ventricular dysplasia 5. Last evaluated: 2023-10-22. Review status: criteria provided, single submitter. Criteria: Invitae Variant Classification Sherloc (09022015). Collection method: clinical testing. Allele origin: germline.
Comment: This sequence change replaces phenylalanine, which is neutral and non-polar, with isoleucine, which is neutral and non-polar, at codon 297 of the TMEM43 protein (p.Phe297Ile). This variant is present in population databases (no rsID available, gnomAD 0.007%). This variant has not been reported in the literature in individuals affected with TMEM43-related conditions. ClinVar contains an entry for this variant (Variation ID: 1395869). Advanced modeling of protein sequence and biophysical properties (such as structural, functional, and spatial information, amino acid conservation, physicochemical variation, residue mobility, and thermodynamic stability) performed at Invitae indicates that this missense variant is not expected to disrupt TMEM43 protein function. In summary, the available evidence is currently insufficient to determine the role of this variant in disease. Therefore, it has been classified as a Variant of Uncertain Significance.

Fulgent Genetics
Classification: Uncertain significance for Arrhythmogenic right ventricular dysplasia 5; Emery-Dreifuss muscular dystrophy 7, autosomal dominant; Auditory neuropathy, autosomal dominant 3. Last evaluated: 2021-08-18. Review status: criteria provided, single submitter. Criteria: ACMG Guidelines, 2015. Collection method: clinical testing. Allele origin: unknown.